The following is an entry in ClinVar:

NM_015272.5(RPGRIP1L):c.310C>A (p.Arg104=)

Gene: RPGRIP1L (RPGRIP1 like; minus strand). Cytogenetic location: 16q12.2.
Variant type: single nucleotide variant.
Coding change: c.310C>A on transcript NM_015272.5 (MANE Select); coding-DNA position 310, C replaced by A.
Protein change: p.Arg104=; no amino-acid change (arginine 104 retained).
Molecular consequence: synonymous variant.
Genome position (GRCh38, 1-based): chr16:53,692,285, G>T on the plus strand (C>A on the coding strand, the complement: RPGRIP1L is on the minus strand). VCF-style: chr16-53692285-G-T. GRCh37 (hg19) VCF-style: chr16-53726197-G-T.
Other names: c.310C>A, p.Arg104= (NM_001127897.4, NM_001308334.3, NM_001330538.2).
Identifiers: ClinVar variation 4986646 (VCV004986646.1).

ClinVar aggregate classification (germline): Likely benign (1 of 4 stars; one submission).

Conditions:
RPGRIP1L-related disorder. Also called: RPGRIP1L-related disorders; RPGRIP1L-related condition. Identifiers: MedGen CN239416.

Submission:

PreventionGenetics, part of Exact Sciences
Classification: Likely benign for RPGRIP1L-related condition. Last evaluated: 2025-04-23. Review status: criteria provided, single submitter. Criteria: ACMG Guidelines, 2015. Collection method: clinical testing. Allele origin: germline.
Comment: This variant is classified as likely benign based on ACMG/AMP sequence variant interpretation guidelines (Richards et al. 2015 PMID: 25741868, with internal and published modifications).